The following is an entry in ClinVar:

NM_000051.4(ATM):c.8419-17A>G

Genes: ATM (ATM serine/threonine kinase; plus strand), C11orf65 (chromosome 11 open reading frame 65; minus strand). Cytogenetic location: 11q22.3.
Variant type: single nucleotide variant.
Coding change: c.8419-17A>G on transcript NM_000051.4 (MANE Select); 17 bases into the intron before coding-DNA position 8419, A replaced by G.
Molecular consequence: intron variant.
Genome position (GRCh38, 1-based): chr11:108,345,726, A>G. VCF-style: chr11-108345726-A-G. GRCh37 (hg19) VCF-style: chr11-108216453-A-G.
Other names: c.8419-17A>G (NM_001351834.2); c.641-36655T>C (NM_001330368.2); c.695-10434T>C (NM_001351110.2).
Identifiers: ClinVar variation 378994 (VCV000378994.13), dbSNP rs1057520452, ClinGen allele CA16605841.

ClinVar aggregate classification (germline): Likely benign. Review status: criteria provided, multiple submitters, no conflicts (2 of 4 stars). 5 submissions from 5 submitters: Likely benign (5). Last evaluated 2025-10-29.

Conditions:
Familial cancer of breast. Also called: hereditary breast carcinoma; Hereditary breast cancer; BREAST CANCER, FAMILIAL. Identifiers: Orphanet 227535, MedGen C0346153, MONDO:0016419, OMIM 114480. Disease mechanism: loss of function.
Hereditary cancer-predisposing syndrome. Also called: Neoplastic Syndromes, Hereditary; Hereditary neoplastic syndrome; Hereditary Cancer Syndrome; Tumor predisposition. Identifiers: Orphanet 140162, MedGen C0027672, MeSH D009386, MONDO:0015356.
Ataxia-telangiectasia syndrome (AT). Also called: Ataxia-telangiectasia, complementation group D; Ataxia-telangiectasia, complementation group E; LOUIS-BAR SYNDROME; AT, COMPLEMENTATION GROUP C; ATAXIA-TELANGIECTASIA, COMPLEMENTATION GROUP A; ATAXIA-TELANGIECTASIA, FRESNO VARIANT. Identifiers: Orphanet 100, MedGen C0004135, MONDO:0008840, OMIM 208900.

Allele frequency attached by ClinVar (database versions not stated): gnomAD exomes 0.00001.
gnomAD v4.1: 7 of 1,538,596 alleles (0.00045%); highest among the groups gnomAD compares: East Asian, 0.0068%; no homozygotes.

Submissions (5):

Labcorp Genetics (formerly Invitae), Labcorp
Classification: Likely benign for Ataxia-telangiectasia syndrome. Last evaluated: 2025-10-29. Review status: criteria provided, single submitter. Criteria: Invitae Variant Classification Sherloc (09022015). Collection method: clinical testing. Allele origin: germline.

Myriad Genetics, Inc.
Classification: Likely benign for Familial cancer of breast. Last evaluated: 2024-06-19. Review status: criteria provided, single submitter. Criteria: Myriad Autosomal Dominant, Autosomal Recessive and X-Linked Classification Criteria (2023). Collection method: clinical testing. Allele origin: unknown.
Comment: This variant is considered likely benign. This variant is intronic and is not expected to impact mRNA splicing.

Blueprint Genetics
Classification: Likely benign. Last evaluated: 2023-11-07. Review status: criteria provided, single submitter. Criteria: ACMG Guidelines, 2015. Collection method: clinical testing. Allele origin: germline.

GeneDx
Classification: Likely benign. Last evaluated: 2017-08-07. Review status: criteria provided, single submitter. Criteria: GeneDx Variant Classification (06012015). Collection method: clinical testing. Allele origin: germline. Affected: yes.
Comment: This variant is considered likely benign or benign based on one or more of the following criteria: it is a conservative change, it occurs at a poorly conserved position in the protein, it is predicted to be benign by multiple in silico algorithms, and/or has population frequency not consistent with disease.

Color Diagnostics, LLC DBA Color Health
Classification: Likely benign for Hereditary cancer-predisposing syndrome. Last evaluated: 2017-06-29. Review status: criteria provided, single submitter. Criteria: ACMG Guidelines, 2015. Collection method: clinical testing. Allele origin: germline.